The following is an entry in ClinVar:

ClinVar aggregate classification (germline): Uncertain significance. Review status: criteria provided, multiple submitters, no conflicts (2 of 4 stars). 2 submissions from 2 submitters: Uncertain significance (2). Last evaluated 2023-12-07.

Conditions:
Hereditary cancer-predisposing syndrome. Also called: Hereditary neoplastic syndrome; Hereditary Cancer Syndrome; Neoplastic Syndromes, Hereditary; Tumor predisposition. Identifiers: Orphanet 140162, MedGen C0027672, MeSH D009386, MONDO:0015356.

Submissions (2):

Labcorp Genetics (formerly Invitae), Labcorp
Classification: Uncertain significance for Hereditary cancer-predisposing syndrome. Last evaluated: 2023-12-07. Review status: criteria provided, single submitter. Criteria: Invitae Variant Classification Sherloc (09022015). Collection method: clinical testing. Allele origin: germline.
Comment: This variant, c.1651_1653dup, results in the insertion of 1 amino acid(s) of the RAD50 protein (p.Gln551dup), but otherwise preserves the integrity of the reading frame. This variant is present in population databases (rs751481114, gnomAD 0.004%). This variant has not been reported in the literature in individuals affected with RAD50-related conditions. ClinVar contains an entry for this variant (Variation ID: 229671). Experimental studies and prediction algorithms are not available or were not evaluated, and the functional significance of this variant is currently unknown. In summary, the available evidence is currently insufficient to determine the role of this variant in disease. Therefore, it has been classified as a Variant of Uncertain Significance.

Ambry Genetics
Classification: Uncertain significance for Hereditary cancer-predisposing syndrome. Last evaluated: 2023-01-13. Review status: criteria provided, single submitter. Criteria: Ambry Variant Classification Scheme 2023. Collection method: clinical testing. Allele origin: germline.
Comment: The c.1651_1653dupCAA variant (also known as p.Q551dup), located in coding exon 11 of the RAD50 gene, results from an in-frame duplication of CAA at nucleotide positions 1651 to 1653. This results in the duplication of an extra residue between codons 551 and 552. This amino acid position is well conserved in available vertebrate species. In addition, the in silico prediction for this alteration is inconclusive (Choi Y et al. PLoS ONE. 2012; 7(10):e46688). Since supporting evidence is limited at this time, the clinical significance of this alteration remains unclear.

NM_005732.4(RAD50):c.1651_1653dup (p.Gln551dup)

Gene: RAD50 (RAD50 double strand break repair protein; plus strand). Cytogenetic location: 5q31.1.
Variant type: Duplication.
Coding change: c.1651_1653dup on transcript NM_005732.4 (MANE Select); coding-DNA positions 1651 to 1653, 3 bases duplicated (CAA; older notation c.1651_1653dupCAA).
Protein change: p.Gln551dup; duplicates glutamine 551.
Molecular consequence: inframe insertion.
Genome position (GRCh38, 1-based): chr5:132,591,892-132,591,894, CAA duplicated; duplicating any 3 consecutive bases within chr5:132,591,890-132,591,894 gives the same sequence; the c. name uses the placement nearest the transcript's 3' end. VCF-style (leftmost placement, unchanged base first): chr5-132591889-G-GAAC. GRCh37 (hg19) VCF-style: chr5-131927581-G-GAAC.
Other names: c.1651_1653dup (NM_005732.3).
Identifiers: ClinVar variation 229671 (VCV000229671.14), dbSNP rs1463546188, ClinGen allele CA3405226.